The following is an entry in ClinVar:

NM_003632.3(CNTNAP1):c.3814+10C>T

Gene: CNTNAP1 (contactin associated protein 1; plus strand). Cytogenetic location: 17q21.2.
Variant type: single nucleotide variant.
Coding change: c.3814+10C>T on transcript NM_003632.3 (MANE Select); 10 bases into the intron after coding-DNA position 3814, C replaced by T.
Molecular consequence: intron variant.
Genome position (GRCh38, 1-based): chr17:42,697,809, C>T. VCF-style: chr17-42697809-C-T. GRCh37 (hg19) VCF-style: chr17-40849827-C-T.
Other names: p.?.
Identifiers: ClinVar variation 3902399 (VCV003902399.2).

ClinVar aggregate classification (germline): Likely benign. Review status: criteria provided, multiple submitters, no conflicts (2 of 4 stars). 2 submissions from 2 submitters: Likely benign (2). Last evaluated 2025-10-07.

gnomAD v4.1: 19 of 1,614,050 alleles (0.0012%); highest among the groups gnomAD compares: Non-Finnish European, 0.0016%; no homozygotes.

Submissions (2):

Mayo Clinic Laboratories, Mayo Clinic
Classification: Likely benign. Last evaluated: 2025-10-07. Review status: criteria provided, single submitter. Criteria: ACMG Guidelines, 2015. Collection method: clinical testing. Allele origin: germline. Observed: 1 variant allele.
Comment: BP4, BP7

Women's Health and Genetics/Laboratory Corporation of America, LabCorp
Classification: Likely benign. Last evaluated: 2025-05-08. Review status: criteria provided, single submitter. Criteria: LabCorp Variant Classification Summary - May 2015. Collection method: clinical testing. Allele origin: germline.